The following is an entry in ClinVar:

ClinVar aggregate classification (germline): Benign/Likely benign. Review status: criteria provided, multiple submitters, no conflicts (2 of 4 stars). 3 submissions from 3 submitters: Benign (2); Likely benign (1). Last evaluated 2023-05-01.

Allele frequency attached by ClinVar (database versions not stated): gnomAD 0.00036 and 0.00046; 1000 Genomes Project 0.00040; 1000 Genomes Project 30x 0.00047; TOPMed 0.00048; gnomAD exomes 0.00052 and 0.00092; ESP Exome Variant Server 0.00069; ExAC 0.00132.
gnomAD v4.1: 825 of 1,591,516 alleles (0.052%); highest among the groups gnomAD compares: Middle Eastern, 0.46%; 2 homozygotes.

Submissions (3):

CeGaT Center for Human Genetics Tuebingen
Classification: Likely benign. Last evaluated: 2023-05-01. Review status: criteria provided, single submitter. Criteria: CeGaT Center For Human Genetics Tuebingen Variant Classification Criteria Version 2. Collection method: clinical testing. Allele origin: germline. Affected: yes. Observed: 1 variant allele.
Comment: PSMD4: BP4, BP7

Labcorp Genetics (formerly Invitae), Labcorp
Classification: Benign. Last evaluated: 2017-12-28. Review status: criteria provided, single submitter. Criteria: Invitae Variant Classification Sherloc (09022015). Collection method: clinical testing. Allele origin: germline.

Breakthrough Genomics
Classification: Benign. Review status: criteria provided, single submitter. Criteria: ACMG Guidelines, 2015. Collection method: not provided. Allele origin: germline. Inheritance: Unknown mechanism. Affected: yes.

NM_002810.4(PSMD4):c.276G>C (p.Val92=)

Gene: PSMD4 (proteasome 26S subunit ubiquitin receptor, non-ATPase 4; plus strand). Cytogenetic location: 1q21.3.
Variant type: single nucleotide variant.
Coding change: c.276G>C on transcript NM_002810.4 (MANE Select); coding-DNA position 276, G replaced by C.
Protein change: p.Val92=; no amino-acid change (valine 92 retained).
Molecular consequence: synonymous variant.
Genome position (GRCh38, 1-based): chr1:151,264,022, G>C. VCF-style: chr1-151264022-G-C. GRCh37 (hg19) VCF-style: chr1-151236498-G-C.
Other names: c.276G>C, p.Val92= (NM_001330692.2).
Identifiers: ClinVar variation 771118 (VCV000771118.28), dbSNP rs139032841, ClinGen allele CA1087812.
Genomic context (GRCh38, chr1:151,264,022, plus strand): 5'-GTCCAAGCTACATACTGTCCAACCCAAGGGCAAGATCACCTTCTGCACGGGCATCCGCGT[G>C]GCCCATGTGAGTCCTACTGGGTTCCCTGGACCTTTCCTCCCTGCTCTGAGGTCCTGCCTC-3'
Protein context (NP_002801.1, residues 82-102): GKITFCTGIR[Val92=]AHLALKHRQG